The following is an entry in ClinVar:

ClinVar aggregate classification (germline): Uncertain significance (1 of 4 stars; one submission).

Conditions:
Inborn genetic diseases. Identifiers: MedGen C0950123, MeSH D030342.

gnomAD v4.1: 1 of 1,613,298 alleles (0.000062%); highest among the groups gnomAD compares: Non-Finnish European, 0.000085%; no homozygotes.

Submission:

Ambry Genetics
Classification: Uncertain significance for Inborn genetic diseases. Last evaluated: 2024-06-07. Review status: criteria provided, single submitter. Criteria: Ambry Variant Classification Scheme 2023. Collection method: clinical testing. Allele origin: germline.
Comment: The p.V483G variant (also known as c.1448T>G), located in coding exon 13 of the LRRK2 gene, results from a T to G substitution at nucleotide position 1448. The valine at codon 483 is replaced by glycine, an amino acid with dissimilar properties. This amino acid position is conserved. In addition, the in silico prediction for this alteration is inconclusive. Since supporting evidence is limited at this time, the clinical significance of this alteration remains unclear.

NM_198578.4(LRRK2):c.1448T>G (p.Val483Gly)

Gene: LRRK2 (leucine rich repeat kinase 2; plus strand). Cytogenetic location: 12q12.
Variant type: single nucleotide variant.
Coding change: c.1448T>G on transcript NM_198578.4 (MANE Select); coding-DNA position 1448, T replaced by G.
Protein change: p.Val483Gly; replaces valine 483 with glycine.
Molecular consequence: missense variant.
Genome position (GRCh38, 1-based): chr12:40,259,509, T>G. VCF-style: chr12-40259509-T-G. GRCh37 (hg19) VCF-style: chr12-40653311-T-G.
Other names: short protein forms V483G.
Identifiers: ClinVar variation 1772843 (VCV001772843.3), dbSNP rs1565687881, ClinGen allele CA384411319.